The following is an entry in ClinVar:

ClinVar aggregate classification (germline): Likely benign. Review status: criteria provided, multiple submitters, no conflicts (2 of 4 stars). 3 submissions from 3 submitters: Likely benign (3). Last evaluated 2025-11-18.

Conditions:
Hereditary cancer-predisposing syndrome. Also called: Hereditary Cancer Syndrome; Neoplastic Syndromes, Hereditary; Tumor predisposition; Hereditary neoplastic syndrome. Identifiers: Orphanet 140162, MedGen C0027672, MeSH D009386, MONDO:0015356.
Familial adenomatous polyposis 2. Also called: MUTYH-associated polyposis; MUTYH-related attenuated familial adenomatous polyposis; Adenomas, multiple colorectal; MYH-associated polyposis; FAP type 2; COLORECTAL ADENOMATOUS POLYPOSIS, AUTOSOMAL RECESSIVE. Identifiers: Orphanet 220460, Orphanet 247798, MedGen C3272841, MONDO:0012041, OMIM 608456.

Allele frequency attached by ClinVar (database versions not stated): gnomAD exomes below 0.00001.
gnomAD v4.1: 1 of 1,614,194 alleles (0.000062%); highest among the groups gnomAD compares: East Asian, 0.0022%; no homozygotes.

Submissions (3):

Labcorp Genetics (formerly Invitae), Labcorp
Classification: Likely benign for Familial adenomatous polyposis 2. Last evaluated: 2025-11-18. Review status: criteria provided, single submitter. Criteria: Invitae Variant Classification Sherloc (09022015). Collection method: clinical testing. Allele origin: germline.

All of Us Research Program, National Institutes of Health
Classification: Likely benign for Familial adenomatous polyposis 2. Last evaluated: 2023-10-27. Review status: criteria provided, single submitter. Criteria: ACMG Guidelines, 2015. Collection method: clinical testing. Allele origin: germline. Inheritance: Autosomal recessive inheritance. Observed: 2 variant alleles, 2 heterozygotes.
Comment: This study involves interpretation of variants in research participants for the purpose of population health screening. Participant phenotype was not available at the time of variant classification. Additional details can be found in publication PMID: 35346344, PMCID: PMC8962531

Ambry Genetics
Classification: Likely benign for Hereditary cancer-predisposing syndrome. Last evaluated: 2019-10-13. Review status: criteria provided, single submitter. Criteria: Ambry Variant Classification Scheme 2023. Collection method: clinical testing. Allele origin: germline.

NM_001048174.2(MUTYH):c.474G>A (p.Leu158=)

Gene: MUTYH (mutY DNA glycosylase; minus strand). Cytogenetic location: 1p34.1.
Variant type: single nucleotide variant.
Coding change: c.474G>A on transcript NM_001048174.2 (MANE Select); coding-DNA position 474, G replaced by A.
Protein change: p.Leu158=; no amino-acid change (leucine 158 retained).
Molecular consequence: synonymous variant. On other transcripts: non-coding transcript variant (2).
Genome position (GRCh38, 1-based): chr1:45,332,781, C>T on the plus strand (G>A on the coding strand, the complement: MUTYH is on the minus strand). VCF-style: chr1-45332781-C-T. GRCh37 (hg19) VCF-style: chr1-45798453-C-T.
Other names: c.474G>A, p.Leu158= (NM_001048171.2, NM_001048173.2, NM_001293195.2); c.477G>A, p.Leu159= (NM_001048172.2); c.558G>A, p.Leu186= (NM_001128425.2); c.519G>A, p.Leu173= (NM_001293190.2); c.507G>A, p.Leu169= (NM_001293191.2); c.198G>A, p.Leu66= (NM_001293192.2, NM_001293196.2); c.129G>A, p.Leu43= (NM_001350650.2, NM_001350651.2); c.549G>A, p.Leu183= (NM_012222.3).
Identifiers: ClinVar variation 702003 (VCV000702003.14), dbSNP rs1448426714, ClinGen allele CA340135609.